The following is an entry in ClinVar:

ClinVar aggregate classification (germline): Uncertain significance. Review status: criteria provided, multiple submitters, no conflicts (2 of 4 stars). 4 submissions from 4 submitters: Uncertain significance (4). Last evaluated 2025-11-11.

Conditions:
Ataxia-telangiectasia-like disorder 1 (ATLD1). Identifiers: Orphanet 251347, MedGen C4012790, MONDO:0024557, OMIM 604391.
Hereditary cancer-predisposing syndrome. Also called: Tumor predisposition; Hereditary neoplastic syndrome; Hereditary Cancer Syndrome; Neoplastic Syndromes, Hereditary. Identifiers: Orphanet 140162, MedGen C0027672, MeSH D009386, MONDO:0015356.
Dystonic disorder. Also called: Dystonia. Identifiers: MedGen C0013421, MONDO:0003441, HP:0001332.
Dementia. Identifiers: MedGen C0497327, MONDO:0001627, HP:0000726.
Depression. Also called: Depressive disorder; Depressivity; Mental depression. Identifiers: MedGen C0011581, MeSH D003866, MONDO:0002050, HP:0000716.
Parkinsonian disorder. Also called: Parkinsonism. Identifiers: MedGen C0242422, MONDO:0021095, HP:0001300.

Allele frequency attached by ClinVar (database versions not stated): gnomAD exomes 0.00001; ExAC 0.00002.
gnomAD v4.1: 9 of 1,613,686 alleles (0.00056%); highest among the groups gnomAD compares: South Asian, 0.0033%; no homozygotes.

Submissions (4):

Ambry Genetics
Classification: Uncertain significance for Hereditary cancer-predisposing syndrome. Last evaluated: 2025-11-11. Review status: criteria provided, single submitter. Criteria: Ambry Variant Classification Scheme 2023. Collection method: clinical testing. Allele origin: germline.
Comment: The p.E77K variant (also known as c.229G>A), located in coding exon 3 of the MRE11A gene, results from a G to A substitution at nucleotide position 229. The glutamic acid at codon 77 is replaced by lysine, an amino acid with similar properties. This amino acid position is well conserved in available vertebrate species. In addition, the in silico prediction for this alteration is inconclusive. Since supporting evidence is limited at this time, the clinical significance of this alteration remains unclear.

Quest Diagnostics Nichols Institute San Juan Capistrano
Classification: Uncertain significance. Last evaluated: 2024-08-06. Review status: criteria provided, single submitter. Criteria: Quest Diagnostics criteria. Collection method: clinical testing. Allele origin: unknown.

Baylor Genetics
Classification: Uncertain significance for Ataxia-telangiectasia-like disorder 1. Last evaluated: 2023-11-21. Review status: criteria provided, single submitter. Criteria: ACMG Guidelines, 2015. Collection method: clinical testing. Allele origin: unknown.

Centre for Mendelian Genomics, University Medical Centre Ljubljana
Classification: Uncertain significance for Dementia; Depression; Dystonic disorder; Parkinsonian disorder. Last evaluated: 2017-01-01. Review status: criteria provided, single submitter. Criteria: ACMG Guidelines, 2015. Collection method: clinical testing. Allele origin: unknown. Affected: yes.

Literature cited by the submitters: PubMed 35534704 (cited by Quest Diagnostics Nichols Institute San Juan Capistrano); PubMed 33471991 (cited by Quest Diagnostics Nichols Institute San Juan Capistrano).

NM_005591.4(MRE11):c.229G>A (p.Glu77Lys)

Gene: MRE11 (MRE11 double strand break repair nuclease; minus strand). Cytogenetic location: 11q21.
Variant type: single nucleotide variant.
Coding change: c.229G>A on transcript NM_005591.4 (MANE Select); coding-DNA position 229, G replaced by A.
Protein change: p.Glu77Lys; replaces glutamic acid 77 with lysine.
Molecular consequence: missense variant.
Genome position (GRCh38, 1-based): chr11:94,486,009, C>T on the plus strand (G>A on the coding strand, the complement: MRE11 is on the minus strand). VCF-style: chr11-94486009-C-T. GRCh37 (hg19) VCF-style: chr11-94219175-C-T.
Other names: c.229G>A, p.Glu77Lys (NM_001330347.2, NM_005590.4); short protein forms E77K.
Identifiers: ClinVar variation 481777 (VCV000481777.9), dbSNP rs779269083, ClinGen allele CA6235438.
Genomic context (GRCh38, chr11:94,486,009, plus strand): 5'-GATCACTGAGAATTTCAAACTGGACAGGCCGATCACCCATACAATATTTTCTTAATAACT[C>T]GAGGCAGGTATGTAATGTTTTCCTTGAGGGCTTATTTTCATGAAAAAGATCACCACCTAA-3'
Protein context (NP_005582.1, residues 67-87): PSRKTLHTCL[Glu77Lys]LLRKYCMGDR